The following is an entry in ClinVar:

NM_004247.4(EFTUD2):c.2731C>T (p.Pro911Ser)

Gene: EFTUD2 (elongation factor Tu GTP binding domain containing 2; minus strand). Cytogenetic location: 17q21.31.
Variant type: single nucleotide variant.
Coding change: c.2731C>T on transcript NM_004247.4 (MANE Select); coding-DNA position 2731, C replaced by T.
Protein change: p.Pro911Ser; replaces proline 911 with serine.
Molecular consequence: missense variant.
Genome position (GRCh38, 1-based): chr17:44,851,802, G>A on the plus strand (C>T on the coding strand, the complement: EFTUD2 is on the minus strand). VCF-style: chr17-44851802-G-A. GRCh37 (hg19) VCF-style: chr17-42929170-G-A.
Other names: c.2626C>T, p.Pro876Ser (NM_001142605.2); c.2731C>T, p.Pro911Ser (NM_001258353.2); c.2701C>T, p.Pro901Ser (NM_001258354.2); short protein forms P876S, P901S, P911S.
Identifiers: ClinVar variation 2502013 (VCV002502013.1), dbSNP rs2508714356, ClinGen allele CA399838216.

ClinVar aggregate classification (germline): Uncertain significance (1 of 4 stars; one submission).

Submission:

GeneDx
Classification: Uncertain significance. Last evaluated: 2022-11-10. Review status: criteria provided, single submitter. Criteria: GeneDx Variant Classification Process June 2021. Collection method: clinical testing. Allele origin: germline. Affected: yes.
Comment: Not observed at significant frequency in large population cohorts (gnomAD); In silico analysis supports that this missense variant has a deleterious effect on protein structure/function; Has not been previously published as pathogenic or benign to our knowledge